The following is an entry in ClinVar:

NM_053025.4(MYLK):c.4054T>A (p.Trp1352Arg)

Gene: MYLK (myosin light chain kinase; minus strand). Cytogenetic location: 3q21.1.
Variant type: single nucleotide variant.
Coding change: c.4054T>A on transcript NM_053025.4 (MANE Select); coding-DNA position 4054, T replaced by A.
Protein change: p.Trp1352Arg; replaces tryptophan 1352 with arginine.
Molecular consequence: missense variant.
Genome position (GRCh38, 1-based): chr3:123,657,360, A>T on the plus strand (T>A on the coding strand, the complement: MYLK is on the minus strand). VCF-style: chr3-123657360-A-T. GRCh37 (hg19) VCF-style: chr3-123376207-A-T.
Other names: c.3526T>A, p.Trp1176Arg (NM_001321309.2); c.3847T>A, p.Trp1283Arg (NM_053026.4, NM_053028.4); c.4054T>A, p.Trp1352Arg (NM_053027.4); short protein forms W1176R, W1283R, W1352R.
Identifiers: ClinVar variation 3401096 (VCV003401096.1).

ClinVar aggregate classification (germline): Uncertain significance (1 of 4 stars; one submission).

Conditions:
Familial thoracic aortic aneurysm and aortic dissection (TAAD). Also called: Thoracic aortic aneurysms and dissections. Identifiers: Orphanet 91387, MedGen C4707243, MONDO:0019625.

Submission:

Ambry Genetics
Classification: Uncertain significance for Familial thoracic aortic aneurysm and aortic dissection. Last evaluated: 2024-08-25. Review status: criteria provided, single submitter. Criteria: Ambry Variant Classification Scheme 2023. Collection method: clinical testing. Allele origin: germline.
Comment: The p.W1352R variant (also known as c.4054T>A), located in coding exon 21 of the MYLK gene, results from a T to A substitution at nucleotide position 4054. The tryptophan at codon 1352 is replaced by arginine, an amino acid with dissimilar properties. This amino acid position is conserved. In addition, this alteration is predicted to be deleterious by in silico analysis. Based on the available evidence, the clinical significance of this variant remains unclear.